The following is an entry in ClinVar:

ClinVar aggregate classification (germline): Uncertain significance. Review status: criteria provided, multiple submitters, no conflicts (2 of 4 stars). 4 submissions from 4 submitters: Uncertain significance (4). Last evaluated 2026-05-19.

Conditions:
MGME1-related disorder. Also called: MGME1-related condition.
Inborn genetic diseases. Identifiers: MedGen C0950123, MeSH D030342.

Allele frequency attached by ClinVar (database versions not stated): ExAC 0.00011; ESP Exome Variant Server 0.00031; gnomAD 0.00036; TOPMed 0.00040.
gnomAD v4.1: 116 of 1,613,656 alleles (0.0072%); highest among the groups gnomAD compares: African/African-American, 0.11%; no homozygotes.

Submissions (4):

GeneDx
Classification: Uncertain significance. Last evaluated: 2026-05-19. Review status: criteria provided, single submitter. Criteria: GeneDx Variant Classification Process June 2021. Collection method: clinical testing. Allele origin: germline.
Comment: Has not been previously published as pathogenic in association with an MGME1-related disorder or benign to our knowledge; In silico analysis suggests that this missense variant does not alter protein structure/function; This variant is associated with the following publications: (PMID: 37393749)

PreventionGenetics, part of Exact Sciences
Classification: Uncertain significance for MGME1-related condition. Last evaluated: 2024-11-26. Review status: criteria provided, single submitter. Criteria: ACMG Guidelines, 2015. Collection method: clinical testing. Allele origin: germline.
Comment: The MGME1 c.986C>T variant is predicted to result in the amino acid substitution p.Thr329Met. To our knowledge, this variant has not been reported in the literature. This variant is reported in 0.12% of alleles in individuals of African descent in gnomAD, which may be too frequent to be an unreported primary cause of disease. Although we suspect that this variant may be benign, at this time, the clinical significance of this variant is uncertain due to the absence of conclusive functional and genetic evidence.

Ambry Genetics
Classification: Uncertain significance for Inborn genetic diseases. Last evaluated: 2024-10-07. Review status: criteria provided, single submitter. Criteria: Ambry Variant Classification Scheme 2023. Collection method: clinical testing. Allele origin: germline.

Labcorp Genetics (formerly Invitae), Labcorp
Classification: Uncertain significance. Last evaluated: 2022-07-05. Review status: criteria provided, single submitter. Criteria: Invitae Variant Classification Sherloc (09022015). Collection method: clinical testing. Allele origin: germline.
Comment: This sequence change replaces threonine, which is neutral and polar, with methionine, which is neutral and non-polar, at codon 329 of the MGME1 protein (p.Thr329Met). This variant is present in population databases (rs141693556, gnomAD 0.1%). This variant has not been reported in the literature in individuals affected with MGME1-related conditions. Algorithms developed to predict the effect of missense changes on protein structure and function (SIFT, PolyPhen-2, Align-GVGD) all suggest that this variant is likely to be tolerated. In summary, the available evidence is currently insufficient to determine the role of this variant in disease. Therefore, it has been classified as a Variant of Uncertain Significance.

NM_052865.4(MGME1):c.986C>T (p.Thr329Met)

Gene: MGME1 (mitochondrial genome maintenance exonuclease 1; plus strand). Cytogenetic location: 20p11.23.
Variant type: single nucleotide variant.
Coding change: c.986C>T on transcript NM_052865.4 (MANE Select); coding-DNA position 986, C replaced by T.
Protein change: p.Thr329Met; replaces threonine 329 with methionine.
Molecular consequence: missense variant. On other transcripts: synonymous variant (1).
Genome position (GRCh38, 1-based): chr20:17,990,060, C>T. VCF-style: chr20-17990060-C-T. GRCh37 (hg19) VCF-style: chr20-17970703-C-T.
Other names: c.1031C>T, p.Thr344Met (NM_001310338.2); c.633C>T, p.Tyr211= (NM_001310339.2); c.746C>T, p.Thr249Met (NM_001363738.2); c.986C>T (NM_052865.2, NM_052865.3); short protein forms T329M, T344M, T249M.
Identifiers: ClinVar variation 2150505 (VCV002150505.5), dbSNP rs141693556, ClinGen allele CA9775086.
Genomic context (GRCh38, chr20:17,990,060, plus strand): 5'-TGGATGCAGAGCTCTGTTCCCAGTACTGGACCAAGTGGCTTCTTCGACTAGAAGAATATA[C>T]GGAAAAGAAAAAGAACCAGAATATTCAGAAACCAGAATATTCAGAATAGGGAGCAAGTTG-3'
Protein context (NP_443097.1, residues 319-339): TKWLLRLEEY[Thr329Met]EKKKNQNIQK